The following is an entry in ClinVar:

NM_025137.4(SPG11):c.6882C>T (p.Leu2294=)

Gene: SPG11 (SPG11 vesicle trafficking associated, spatacsin; minus strand). Cytogenetic location: 15q21.1.
Variant type: single nucleotide variant.
Coding change: c.6882C>T on transcript NM_025137.4 (MANE Select); coding-DNA position 6882, C replaced by T.
Protein change: p.Leu2294=; no amino-acid change (leucine 2294 retained).
Molecular consequence: synonymous variant.
Genome position (GRCh38, 1-based): chr15:44,565,971, G>A on the plus strand (C>T on the coding strand, the complement: SPG11 is on the minus strand). VCF-style: chr15-44565971-G-A. GRCh37 (hg19) VCF-style: chr15-44858169-G-A.
Other names: c.6543C>T, p.Leu2181= (NM_001160227.2); c.6738C>T, p.Leu2246= (NM_001411132.1).
Identifiers: ClinVar variation 2085611 (VCV002085611.18), dbSNP rs142450368, ClinGen allele CA7533961.

ClinVar aggregate classification (germline): Likely benign. Review status: criteria provided, multiple submitters, no conflicts (2 of 4 stars). 2 submissions from 2 submitters: Likely benign (2). Last evaluated 2025-03-11.

Conditions:
Hereditary spastic paraplegia 11. Also called: Nakamura Osame syndrome; Autosomal recessive hereditary spastic paraplegia, mental impairment, and thin corpus callosum; Spastic paraplegia, mental retardation and thin corpus callosum; Spastic Paraplegia 11; SPASTIC PARAPLEGIA, AUTOSOMAL RECESSIVE, COMPLICATED, WITH THIN CORPUS CALLOSUM; SPASTIC PARAPLEGIA, AUTOSOMAL RECESSIVE, WITH MENTAL IMPAIRMENT AND THIN CORPUS CALLOSUM. Identifiers: Orphanet 2822, MedGen C1858479, MONDO:0011445, OMIM 604360.

Allele frequency attached by ClinVar (database versions not stated): gnomAD exomes 0.00001; ExAC 0.00002; gnomAD 0.00002; TOPMed 0.00002; ESP Exome Variant Server 0.00008.
gnomAD v4.1: 16 of 1,613,866 alleles (0.00099%); highest among the groups gnomAD compares: East Asian, 0.0067%; no homozygotes.

Submissions (2):

Labcorp Genetics (formerly Invitae), Labcorp
Classification: Likely benign for Hereditary spastic paraplegia 11. Last evaluated: 2025-03-11. Review status: criteria provided, single submitter. Criteria: Invitae Variant Classification Sherloc (09022015). Collection method: clinical testing. Allele origin: germline.

CeGaT Center for Human Genetics Tuebingen
Classification: Likely benign. Last evaluated: 2024-09-01. Review status: criteria provided, single submitter. Criteria: CeGaT Center For Human Genetics Tuebingen Variant Classification Criteria Version 2. Collection method: clinical testing. Allele origin: germline. Affected: yes. Observed: 1 variant allele.
Comment: SPG11: BP4, BP7